The following is an entry in ClinVar:

NM_004260.4(RECQL4):c.2314G>A (p.Val772Met)

Gene: RECQL4 (RecQ like helicase 4; minus strand). Cytogenetic location: 8q24.3.
Variant type: single nucleotide variant.
Coding change: c.2314G>A on transcript NM_004260.4 (MANE Select); coding-DNA position 2314, G replaced by A.
Protein change: p.Val772Met; replaces valine 772 with methionine.
Molecular consequence: missense variant.
Genome position (GRCh38, 1-based): chr8:144,513,367, C>T on the plus strand (G>A on the coding strand, the complement: RECQL4 is on the minus strand). VCF-style: chr8-144513367-C-T. GRCh37 (hg19) VCF-style: chr8-145738750-C-T.
Other names: short protein forms V772M.
Identifiers: ClinVar variation 528994 (VCV000528994.6), dbSNP rs1343306408, ClinGen allele CA372678368.
Genomic context (GRCh38, chr8:144,513,367, plus strand): 5'-GCAGCCCCAGATGCAGCACAGCCCGCACATCTGGCCGGTCCAGCCCCATCCCAAAGGCCA[C>T]CGTGGCCACCACCACCCGCAACTGGCCCTGCATGAAGGCTCGCTGTACCCGCCGCCGTTC-3'
Protein context (NP_004251.4, residues 762-782): QGQLRVVVAT[Val772Met]AFGMGLDRPD

ClinVar aggregate classification (germline): Uncertain significance (1 of 4 stars; one submission).

Conditions:
Baller-Gerold syndrome (BGS). Also called: CRANIOSYNOSTOSIS WITH RADIAL DEFECTS. Identifiers: Orphanet 1225, MedGen C0265308, MONDO:0009039, OMIM 218600.

Allele frequency attached by ClinVar (database versions not stated): gnomAD exomes below 0.00001 and 0.00001; TOPMed below 0.00001.
gnomAD v4.1: 5 of 1,606,690 alleles (0.00031%); highest among the groups gnomAD compares: South Asian, 0.0022%; no homozygotes.

Submission:

Labcorp Genetics (formerly Invitae), Labcorp
Classification: Uncertain significance for Baller-Gerold syndrome. Last evaluated: 2023-10-24. Review status: criteria provided, single submitter. Criteria: Invitae Variant Classification Sherloc (09022015). Collection method: clinical testing. Allele origin: germline.
Comment: This sequence change replaces valine, which is neutral and non-polar, with methionine, which is neutral and non-polar, at codon 772 of the RECQL4 protein (p.Val772Met). The frequency data for this variant in the population databases is considered unreliable, as metrics indicate poor data quality at this position in the gnomAD database. This variant has not been reported in the literature in individuals affected with RECQL4-related conditions. ClinVar contains an entry for this variant (Variation ID: 528994). Advanced modeling of protein sequence and biophysical properties (such as structural, functional, and spatial information, amino acid conservation, physicochemical variation, residue mobility, and thermodynamic stability) performed at Invitae indicates that this missense variant is not expected to disrupt RECQL4 protein function with a negative predictive value of 80%. In summary, the available evidence is currently insufficient to determine the role of this variant in disease. Therefore, it has been classified as a Variant of Uncertain Significance.